The following is an entry in ClinVar:

ClinVar aggregate classification (germline): Uncertain significance. Review status: criteria provided, multiple submitters, no conflicts (2 of 4 stars). 3 submissions from 3 submitters: Uncertain significance (3). Last evaluated 2024-04-19.

Conditions:
Diabetes mellitus, ketosis-prone (KPD). Identifiers: MedGen C3837958, MONDO:0100180, OMIM 612227.
Type 2 diabetes mellitus. Also called: Type II diabetes mellitus. Identifiers: MedGen C0011860, MeSH D003924, MONDO:0005148, OMIM 125853, HP:0005978.
Maturity-onset diabetes of the young type 9 (MODY9). Identifiers: Orphanet 552, MedGen C2677132, MONDO:0012818, OMIM 612225.

Allele frequency attached by ClinVar (database versions not stated): gnomAD 0.00001; TOPMed 0.00002; ExAC 0.00003; ESP Exome Variant Server 0.00008.
gnomAD v4.1: 16 of 1,614,074 alleles (0.00099%); highest among the groups gnomAD compares: South Asian, 0.0033%; no homozygotes.

Submissions (3):

GeneDx
Classification: Uncertain significance. Last evaluated: 2024-04-19. Review status: criteria provided, single submitter. Criteria: GeneDx Variant Classification Process June 2021. Collection method: clinical testing. Allele origin: germline. Affected: yes.
Comment: In silico analysis, which includes protein predictors and evolutionary conservation, supports a deleterious effect; Has not been previously published as pathogenic or benign to our knowledge

Revvity Omics, Revvity
Classification: Uncertain significance. Last evaluated: 2022-05-10. Review status: criteria provided, single submitter. Criteria: ACMG Guidelines, 2015. Collection method: clinical testing. Allele origin: germline.

Fulgent Genetics
Classification: Uncertain significance for Type 2 diabetes mellitus; Maturity-onset diabetes of the young type 9; Diabetes mellitus, ketosis-prone. Last evaluated: 2021-10-01. Review status: criteria provided, single submitter. Criteria: ACMG Guidelines, 2015. Collection method: clinical testing. Allele origin: unknown.

NM_001366110.1(PAX4):c.179G>A (p.Arg60His)

Gene: PAX4 (paired box 4; minus strand). Cytogenetic location: 7q32.1.
Variant type: single nucleotide variant.
Coding change: c.179G>A on transcript NM_001366110.1 (MANE Select); coding-DNA position 179, G replaced by A.
Protein change: p.Arg60His; replaces arginine 60 with histidine.
Molecular consequence: missense variant.
Genome position (GRCh38, 1-based): chr7:127,615,061, C>T on the plus strand (G>A on the coding strand, the complement: PAX4 is on the minus strand). VCF-style: chr7-127615061-C-T. GRCh37 (hg19) VCF-style: chr7-127255115-C-T.
Other names: NM_006193.2:c.155G>A; c.179G>A, p.Arg60His (NM_001366111.1); short protein forms R60H.
Identifiers: ClinVar variation 1315885 (VCV001315885.6), dbSNP rs370095957, ClinGen allele CA4468170.